The following is an entry in ClinVar:

NM_015719.4(COL5A3):c.4719G>A (p.Arg1573=)

Gene: COL5A3 (collagen type V alpha 3 chain; minus strand). Cytogenetic location: 19p13.2.
Variant type: single nucleotide variant.
Coding change: c.4719G>A on transcript NM_015719.4 (MANE Select); coding-DNA position 4719, G replaced by A.
Protein change: p.Arg1573=; no amino-acid change (arginine 1573 retained).
Molecular consequence: synonymous variant.
Genome position (GRCh38, 1-based): chr19:9,966,377, C>T on the plus strand (G>A on the coding strand, the complement: COL5A3 is on the minus strand). VCF-style: chr19-9966377-C-T. GRCh37 (hg19) VCF-style: chr19-10077053-C-T.
Identifiers: ClinVar variation 2649277 (VCV002649277.24), dbSNP rs139736960, ClinGen allele CA9181729.

ClinVar aggregate classification (germline): Likely benign (1 of 4 stars; one submission).

Allele frequency attached by ClinVar (database versions not stated): 1000 Genomes Project 30x 0.00078; 1000 Genomes Project 0.00080; TOPMed 0.00275; ESP Exome Variant Server 0.00361; gnomAD exomes 0.00433; gnomAD 0.00523; ExAC 0.00659.
gnomAD v4.1: 7,094 of 1,610,094 alleles (0.44%); highest among the groups gnomAD compares: Non-Finnish European, 0.42%; 62 homozygotes.

Submission:

CeGaT Center for Human Genetics Tuebingen
Classification: Likely benign. Last evaluated: 2022-11-01. Review status: criteria provided, single submitter. Criteria: CeGaT Center For Human Genetics Tuebingen Variant Classification Criteria Version 2. Collection method: clinical testing. Allele origin: germline. Affected: yes. Observed: 2 variant alleles.
Comment: COL5A3: BP4, BP7, BS2